The following is an entry in ClinVar:

NM_006063.3(KLHL41):c.1174G>A (p.Gly392Ser)

Gene: KLHL41 (kelch like family member 41; plus strand). Cytogenetic location: 2q31.1.
Variant type: single nucleotide variant.
Coding change: c.1174G>A on transcript NM_006063.3 (MANE Select); coding-DNA position 1174, G replaced by A.
Protein change: p.Gly392Ser; replaces glycine 392 with serine.
Molecular consequence: missense variant.
Genome position (GRCh38, 1-based): chr2:169,514,637, G>A. VCF-style: chr2-169514637-G-A. GRCh37 (hg19) VCF-style: chr2-170371147-G-A.
Other names: c.1174G>A (NM_006063.2); short protein forms G392S.
Identifiers: ClinVar variation 1521839 (VCV001521839.6), dbSNP rs374204816, ClinGen allele CA1956629.

ClinVar aggregate classification (germline): Uncertain significance. Review status: criteria provided, multiple submitters, no conflicts (2 of 4 stars). 2 submissions from 2 submitters: Uncertain significance (2). Last evaluated 2025-08-10.

Conditions:
Inborn genetic diseases. Identifiers: MedGen C0950123, MeSH D030342.
Nemaline myopathy 9 (NEM9). Identifiers: MedGen C3810384, MONDO:0014326, OMIM 615731.

Allele frequency attached by ClinVar (database versions not stated): gnomAD 0.00001; gnomAD exomes 0.00002; TOPMed 0.00002; ExAC 0.00003; ESP Exome Variant Server 0.00008; 1000 Genomes Project 30x 0.00016; 1000 Genomes Project 0.00020.

Submissions (2):

Ambry Genetics
Classification: Uncertain significance for Inborn genetic diseases. Last evaluated: 2025-08-10. Review status: criteria provided, single submitter. Criteria: Ambry Variant Classification Scheme 2023. Collection method: clinical testing. Allele origin: germline.

Labcorp Genetics (formerly Invitae), Labcorp
Classification: Uncertain significance for Nemaline myopathy 9. Last evaluated: 2022-01-16. Review status: criteria provided, single submitter. Criteria: Invitae Variant Classification Sherloc (09022015). Collection method: clinical testing. Allele origin: germline.
Comment: This sequence change replaces glycine, which is neutral and non-polar, with serine, which is neutral and polar, at codon 392 of the KLHL41 protein (p.Gly392Ser). This variant is present in population databases (rs374204816, gnomAD 0.006%). This variant has not been reported in the literature in individuals affected with KLHL41-related conditions. Algorithms developed to predict the effect of missense changes on protein structure and function are either unavailable or do not agree on the potential impact of this missense change (SIFT: "Deleterious"; PolyPhen-2: "Possibly Damaging"; Align-GVGD: "Class C0"). Algorithms developed to predict the effect of sequence changes on RNA splicing suggest that this variant may create or strengthen a splice site. In summary, the available evidence is currently insufficient to determine the role of this variant in disease. Therefore, it has been classified as a Variant of Uncertain Significance.